The following is an entry in ClinVar:

NM_004994.3(MMP9):c.1217C>T (p.Ala406Val)

Gene: MMP9 (matrix metallopeptidase 9; plus strand). Cytogenetic location: 20q13.12.
Variant type: single nucleotide variant.
Coding change: c.1217C>T on transcript NM_004994.3 (MANE Select); coding-DNA position 1217, C replaced by T.
Protein change: p.Ala406Val; replaces alanine 406 with valine.
Molecular consequence: missense variant.
Genome position (GRCh38, 1-based): chr20:46,012,469, C>T. VCF-style: chr20-46012469-C-T. GRCh37 (hg19) VCF-style: chr20-44641108-C-T.
Other names: short protein forms A406V.
Identifiers: ClinVar variation 1424333 (VCV001424333.8), dbSNP rs748513980, ClinGen allele CA9886673.

ClinVar aggregate classification (germline): Uncertain significance (1 of 4 stars; one submission).

Allele frequency attached by ClinVar (database versions not stated): gnomAD exomes 0.00001; ExAC 0.00002.
gnomAD v4.1: 5 of 1,614,190 alleles (0.00031%); highest among the groups gnomAD compares: Non-Finnish European, 0.00042%; no homozygotes.

Submission:

Labcorp Genetics (formerly Invitae), Labcorp
Classification: Uncertain significance. Last evaluated: 2022-07-19. Review status: criteria provided, single submitter. Criteria: Invitae Variant Classification Sherloc (09022015). Collection method: clinical testing. Allele origin: germline.
Comment: This sequence change replaces alanine, which is neutral and non-polar, with valine, which is neutral and non-polar, at codon 406 of the MMP9 protein (p.Ala406Val). In summary, the available evidence is currently insufficient to determine the role of this variant in disease. Therefore, it has been classified as a Variant of Uncertain Significance. Algorithms developed to predict the effect of missense changes on protein structure and function are either unavailable or do not agree on the potential impact of this missense change (SIFT: "Tolerated"; PolyPhen-2: "Possibly Damaging"; Align-GVGD: "Class C0"). ClinVar contains an entry for this variant (Variation ID: 1424333). This variant has not been reported in the literature in individuals affected with MMP9-related conditions. This variant is present in population databases (rs748513980, gnomAD 0.003%).